The following is an entry in ClinVar:

ClinVar aggregate classification (germline): Uncertain significance (0 of 4 stars; one submission).

Conditions:
Chondrodysplasia-pseudohermaphroditism syndrome. Also called: Chondrodysplasia pseudohermaphrodism syndrome; Pseudohermaphrodism and chondrodysplasia. Identifiers: Orphanet 1422, MedGen C1838654, MONDO:0010814, OMIM 600092.

Submission:

Department of Pediatric Genetics, University of Health Sciences, Ankara Bilkent City Children’s Hospital
Classification: Uncertain significance for Chondrodysplasia-pseudohermaphroditism syndrome. Last evaluated: 2024-12-01. Review status: no assertion criteria provided. Collection method: clinical testing. Allele origin: biparental. Affected: yes. Clinical features observed: microcephaly, coloboma, microphthalmia, optic nerve hypoplasia, brachydactyly, distal phalangeal hypoplasia, dysplastic nails, mild intellectual disability, muscle spasm, seizure, cerebellar vermis hypoplasia, gonadal dysgenesis, and 1 more.
Comment: The c.972C>G p.Cys324Trp variant in the HHAT gene (NM_018194.6) is a missense variant in exon 8, not previously reported in the ClinVar. This variant was found in two siblings with microcephaly, coloboma, microphthalmia, brachydactyly, mild intellectual disability, muscle spasm, cerebellar vermis hypoplasia, gonadal dysgenesis which is a highly specific phenotype for Nivelon Nivelon Mabille syndrome. Allele frequency not reported. This variant is not present in population databases (gnomAD no frequency) (PM2). İn silico prediction siblingtools suggest that this variant may impact the protein (PP3). This variant was detected alongside another likely pathogenic variant (c.218G>A p.Trp73Ter), located in trans with the current variant in two siblings with a similar phenotype (PM3). In summary, this variant meets criteria to be classified as Uncertain Significance for Nivelon Nivelon Mabille syndrome based on the ACMG criteria applied: PP3, PM2, PM3 (Richards 2015).

NM_018194.6(HHAT):c.972C>G (p.Cys324Trp)

Gene: HHAT (hedgehog acyltransferase; plus strand). Cytogenetic location: 1q32.2.
Variant type: single nucleotide variant.
Coding change: c.972C>G on transcript NM_018194.6 (MANE Select); coding-DNA position 972, C replaced by G.
Protein change: p.Cys324Trp; replaces cysteine 324 with tryptophan.
Molecular consequence: missense variant.
Genome position (GRCh38, 1-based): chr1:210,464,620, C>G. VCF-style: chr1-210464620-C-G. GRCh37 (hg19) VCF-style: chr1-210637964-C-G.
Other names: c.972C>G, p.Cys324Trp (NM_001122834.4, NM_001170580.3); c.561C>G, p.Cys187Trp (NM_001170564.3); c.975C>G, p.Cys325Trp (NM_001170587.3); c.777C>G, p.Cys259Trp (NM_001170588.3); short protein forms C187W, C259W, C324W, C325W.
Identifiers: ClinVar variation 3731616 (VCV003731616.1).
Genomic context (GRCh38, chr1:210,464,620, plus strand): 5'-TGGCGTGCCTGCTCTGCTCATGCGCCTGGATGGACTCACTCCACCCGCCCTCCCCCGCTG[C>G]GTGAGCACCATGTTCAGTTTCACCGGGATGTGGAGGTCAGGCGCTGGGATTGCTAAAGTT-3'
Protein context (NP_060664.2, residues 314-334): DGLTPPALPR[Cys324Trp]VSTMFSFTGM